The following is an entry in ClinVar:

ClinVar aggregate classification (germline): Pathogenic/Likely pathogenic. Review status: criteria provided, multiple submitters, no conflicts (2 of 4 stars). 2 submissions from 2 submitters: Pathogenic (1); Likely pathogenic (1). Last evaluated 2024-11-20.

Conditions:
Sphingolipid activator protein 1 deficiency. Also called: Metachromatic leukodystrophy due to saposin B deficiency; Saposin B Deficiency; METACHROMATIC LEUKODYSTROPHY DUE TO CEREBROSIDE SULFATASE ACTIVATOR DEFICIENCY. Identifiers: Orphanet 512, MedGen C0268262, MONDO:0009590, OMIM 249900.
Metachromatic leukodystrophy (MLD). Also called: Cerebral sclerosis diffuse metachromatic form; Arylsulfatase A Deficiency; ARSA DEFICIENCY; CEREBROSIDE SULFATASE DEFICIENCY; METACHROMATIC LEUKOENCEPHALOPATHY; SULFATIDE LIPIDOSIS. Identifiers: Orphanet 512, MedGen C0023522, MONDO:0018868, OMIM 250100.

Submissions (2):

Natera, Inc.
Classification: Likely pathogenic for Metachromatic leukodystrophy. Last evaluated: 2024-11-20. Review status: criteria provided, single submitter. Criteria: Natera Variant Classification Schema (03/2026). Collection method: clinical testing. Allele origin: germline.
Comment: The c.722_723delinsAA variant in PSAP is a deletion-insertion (delins) variant predicted to replace one or more nucleotides with a different sequence. This variant is expected to result in nonsense mediated decay, truncation, or a dysfunctional protein product. This variant is rare in the general population with a frequency below the threshold expected for the associated phenotype(s). Given the available evidence, this variant is classified as Likely Pathogenic.

Labcorp Genetics (formerly Invitae), Labcorp
Classification: Pathogenic for Sphingolipid activator protein 1 deficiency. Last evaluated: 2022-03-10. Review status: criteria provided, single submitter. Criteria: Invitae Variant Classification Sherloc (09022015). Collection method: clinical testing. Allele origin: germline.
Comment: For these reasons, this variant has been classified as Pathogenic. This variant has not been reported in the literature in individuals affected with PSAP-related conditions. Information on the frequency of this variant in the gnomAD database is not available, as this variant may be reported differently in the database. This sequence change creates a premature translational stop signal (p.Cys241*) in the PSAP gene. It is expected to result in an absent or disrupted protein product. Loss-of-function variants in PSAP are known to be pathogenic (PMID: 8554069, 11309366, 17616409, 19267410, 30632081).

Literature cited by the submitters: PubMed 8554069 (cited by Labcorp Genetics (formerly Invitae), Labcorp); PubMed 11309366 (cited by Labcorp Genetics (formerly Invitae), Labcorp); PubMed 17616409 (cited by Labcorp Genetics (formerly Invitae), Labcorp); PubMed 19267410 (cited by Labcorp Genetics (formerly Invitae), Labcorp); PubMed 30632081 (cited by Labcorp Genetics (formerly Invitae), Labcorp).

NM_002778.4(PSAP):c.722_723delinsAA (p.Cys241Ter)

Gene: PSAP (prosaposin; minus strand). Cytogenetic location: 10q22.1.
Variant type: Indel.
Coding change: c.722_723delinsAA on transcript NM_002778.4 (MANE Select); coding-DNA positions 722 to 723, GC replaced by AA.
Protein change: p.Cys241Ter; replaces cysteine 241 with a stop codon.
Molecular consequence: nonsense.
Genome position (GRCh38, 1-based): chr10:71,825,891-71,825,892, GC replaced by TT on the plus strand (GC replaced by AA on the coding strand, the reverse complement: PSAP is on the minus strand). VCF-style: chr10-71825891-GC-TT. GRCh37 (hg19) VCF-style: chr10-73585648-GC-TT.
Other names: c.722_723delinsAA (NM_002778.3); c.722_723delinsAA, p.Cys241Ter (NM_001042465.3, NM_001042466.3); short protein forms C241*.
Identifiers: ClinVar variation 2095404 (VCV002095404.5), dbSNP rs2494516881, ClinGen allele CA2580081931.
Genomic context (GRCh38, chr10:71,825,891, plus strand): 5'-ACCTACCATGTGCATCATCATCTGGATAGCAATTTCAGAATACTGGCTGATATAGTTCTT[GC>TT]ACTGAGGAGAGAGAAACAGATTGCTAAACAAATCACTGCAACAATGCACCAAAACCCAAC-3'